The following is an entry in ClinVar:

NM_015215.4(CAMTA1):c.4116_4129delinsCACGGTAGG (p.Glu1373fs)

Genes: CAMTA1 (calmodulin binding transcription activator 1; plus strand), LOC126805603 (CDK7 strongly-dependent group 2 enhancer GRCh37_chr1:7798026-7799225; plus strand). Cytogenetic location: 1p36.23.
Variant type: Indel.
Coding change: c.4116_4129delinsCACGGTAGG on transcript NM_015215.4 (MANE Select); coding-DNA positions 4116 to 4129, AGAGCTGGGGTCCT replaced by CACGGTAGG.
Protein change: p.Glu1373fs; shifts the reading frame from glutamic acid 1373.
Molecular consequence: frameshift variant.
Genome position (GRCh38, 1-based): chr1:7,738,416-7,738,429, AGAGCTGGGGTCCT replaced by CACGGTAGG. VCF-style: chr1-7738416-AGAGCTGGGGTCCT-CACGGTAGG. GRCh37 (hg19) VCF-style: chr1-7798476-AGAGCTGGGGTCCT-CACGGTAGG.
Other names: c.4026_4039delinsCACGGTAGG, p.Glu1343fs (NM_001349608.2); c.3777_3790delinsCACGGTAGG, p.Glu1260fs (NM_001349609.2, NM_001349610.2, NM_001410737.1); c.3687_3700delinsCACGGTAGG, p.Glu1230fs (NM_001349612.2); c.1245_1258delinsCACGGTAGG, p.Glu416fs (NM_001349613.1); c.1188_1201delinsCACGGTAGG, p.Glu397fs (NM_001349614.1, NM_001349615.2, NM_001349616.2 and 2 more transcripts); c.849_862delinsCACGGTAGG, p.Glu284fs (NM_001349619.2, NM_001349620.1, NM_001349621.1 and 5 more transcripts); c.3705_3718delinsCACGGTAGG, p.Glu1236fs (NM_001410738.1); short protein forms E1230fs, E1236fs, E1260fs, E1343fs, E1373fs, E284fs, E397fs, E416fs.
Identifiers: ClinVar variation 3901214 (VCV003901214.1).

ClinVar aggregate classification (germline): Pathogenic (1 of 4 stars; one submission).

Conditions:
Cerebellar dysfunction with variable cognitive and behavioral abnormalities (CECBA). Also called: Nonprogressive cerebellar atxia with intellectual disability. Identifiers: Orphanet 314647, MedGen C3553661, MONDO:0013886, OMIM 614756.

Submission:

Institute of Human Genetics, University of Leipzig Medical Center
Classification: Pathogenic for Cerebellar dysfunction with variable cognitive and behavioral abnormalities. Last evaluated: 2025-04-16. Review status: criteria provided, single submitter. Criteria: ACMG Guidelines, 2015. Collection method: clinical testing. Allele origin: unknown. Inheritance: Autosomal dominant inheritance. Affected: yes.
Comment: Criteria applied: PVS1,PM2